The following is an entry in ClinVar:

ClinVar aggregate classification (germline): Uncertain significance (1 of 4 stars; one submission).

Submission:

Labcorp Genetics (formerly Invitae), Labcorp
Classification: Uncertain significance. Last evaluated: 2021-09-09. Review status: criteria provided, single submitter. Criteria: Invitae Variant Classification Sherloc (09022015). Collection method: clinical testing. Allele origin: germline.
Comment: This sequence change falls in intron 1 of the EXOSC9 gene. It does not directly change the encoded amino acid sequence of the EXOSC9 protein. It affects a nucleotide within the consensus splice site of the intron. This variant is not present in population databases (ExAC no frequency). This variant has not been reported in the literature in individuals affected with EXOSC9-related conditions. Variants that disrupt the consensus splice site are a relatively common cause of aberrant splicing (PMID: 17576681, 9536098). Algorithms developed to predict the effect of sequence changes on RNA splicing suggest that this variant is not likely to affect RNA splicing. In summary, the available evidence is currently insufficient to determine the role of this variant in disease. Therefore, it has been classified as a Variant of Uncertain Significance.

Literature cited by the submitters: PubMed 17576681; PubMed 9536098.

NM_005033.3(EXOSC9):c.66+6G>A

Gene: EXOSC9 (exosome component 9; plus strand). Cytogenetic location: 4q27.
Variant type: single nucleotide variant.
Coding change: c.66+6G>A on transcript NM_005033.3 (MANE Select); 6 bases into the intron after coding-DNA position 66, G replaced by A.
Molecular consequence: intron variant.
Genome position (GRCh38, 1-based): chr4:121,801,496, G>A. VCF-style: chr4-121801496-G-A. GRCh37 (hg19) VCF-style: chr4-122722651-G-A.
Other names: c.66+6G>A (NM_001034194.2).
Identifiers: ClinVar variation 1415518 (VCV001415518.6), dbSNP rs2149033235, ClinGen allele CA2573137970.
Genomic context (GRCh38, chr4:121,801,496, plus strand): 5'-GCCACTCTCAAACTGCGAACGCCGCTTCCTACTCCGTGCCATCGAAGAGAAGAAGGTATG[G>A]TTTGGTGCCCGCAGAATTGCGCGCTGCGTGGGCGCTCGGGTCTCAAGGTGTGGACTGATA-3'